The following is an entry in ClinVar:

ClinVar aggregate classification (germline): Uncertain significance (1 of 4 stars; one submission).

Conditions:
Familial dysfibrinogenemia. Also called: Dysfibrinogenemia, congenital. Identifiers: Orphanet 335, Orphanet 98881, MedGen C0272350, MONDO:0014452, OMIM 616004.

Submission:

3billion
Classification: Uncertain significance for Familial dysfibrinogenemia. Last evaluated: 2024-01-11. Review status: criteria provided, single submitter. Criteria: ACMG Guidelines, 2015. Collection method: clinical testing. Allele origin: germline. Affected: yes.
Comment: The variant is not observed in the gnomAD v2.1.1 dataset. Predicted Consequence/Location: Missense variant In silico tool predictions suggest no damaging effect of the variant on gene or gene product [REVEL: 0.15 (<0.4); 3Cnet: 0.01 (<0.15, specificity 0.78 and negative predicitive value 0.92)]. Therefore, this variant is classified as VUS according to the recommendation of ACMG/AMP guideline.

NM_021871.4(FGA):c.1262G>T (p.Ser421Ile)

Gene: FGA (fibrinogen alpha chain; minus strand). Cytogenetic location: 4q31.3.
Variant type: single nucleotide variant.
Coding change: c.1262G>T on transcript NM_021871.4 (MANE Select); coding-DNA position 1262, G replaced by T.
Protein change: p.Ser421Ile; replaces serine 421 with isoleucine.
Molecular consequence: missense variant.
Genome position (GRCh38, 1-based): chr4:154,586,167, C>A on the plus strand (G>T on the coding strand, the complement: FGA is on the minus strand). VCF-style: chr4-154586167-C-A. GRCh37 (hg19) VCF-style: chr4-155507319-C-A.
Other names: c.1262G>T, p.Ser421Ile (NM_000508.5); short protein forms S421I.
Identifiers: ClinVar variation 3776215 (VCV003776215.1).